The following is an entry in ClinVar:

NM_004230.4(S1PR2):c.903G>A (p.Arg301=)

Gene: S1PR2 (sphingosine-1-phosphate receptor 2; minus strand). Cytogenetic location: 19p13.2.
Variant type: single nucleotide variant.
Coding change: c.903G>A on transcript NM_004230.4 (MANE Select); coding-DNA position 903, G replaced by A.
Protein change: p.Arg301=; no amino-acid change (arginine 301 retained).
Molecular consequence: synonymous variant.
Genome position (GRCh38, 1-based): chr19:10,224,003, C>T on the plus strand (G>A on the coding strand, the complement: S1PR2 is on the minus strand). VCF-style: chr19-10224003-C-T. GRCh37 (hg19) VCF-style: chr19-10334679-C-T.
Other names: p.Arg301=.
Identifiers: ClinVar variation 513460 (VCV000513460.17), dbSNP rs149865919, ClinGen allele CA9188989.

ClinVar aggregate classification (germline): Benign. Review status: criteria provided, multiple submitters, no conflicts (2 of 4 stars). 5 submissions from 5 submitters: Benign (5). Last evaluated 2025-12-20.

Allele frequency attached by ClinVar (database versions not stated): gnomAD 0.00486 and 0.00506; TOPMed 0.00503; ESP Exome Variant Server 0.00532; 1000 Genomes Project 0.00859; 1000 Genomes Project 30x 0.00906.
gnomAD v4.1: 1,487 of 1,611,986 alleles (0.092%); highest among the groups gnomAD compares: African/African-American, 1.7%; 17 homozygotes.

Submissions (5):

Labcorp Genetics (formerly Invitae), Labcorp
Classification: Benign. Last evaluated: 2025-12-20. Review status: criteria provided, single submitter. Criteria: Invitae Variant Classification Sherloc (09022015). Collection method: clinical testing. Allele origin: germline.

Mayo Clinic Laboratories, Mayo Clinic
Classification: Benign. Last evaluated: 2025-03-20. Review status: criteria provided, single submitter. Criteria: ACMG Guidelines, 2015. Collection method: clinical testing. Allele origin: germline. Observed: 1 variant allele.
Comment: BA1, BS2, BP4, BP7

GeneDx
Classification: Benign. Last evaluated: 2019-04-09. Review status: criteria provided, single submitter. Criteria: GeneDx Variant Classification Process June 2021. Collection method: clinical testing. Allele origin: germline. Affected: yes.

Laboratory for Molecular Medicine, Mass General Brigham Personalized Medicine
Classification: Benign. Last evaluated: 2017-08-23. Review status: criteria provided, single submitter. Criteria: LMM Criteria. Collection method: clinical testing. Allele origin: germline. Observed: 1 variant allele.
Comment: p.Arg301Arg in exon 2 of S1PR2: This variant is not expected to have clinical significance because it does not alter an amino acid residue, is not located within the splice consensus sequence, and has been identified in 1.59% (145/9094) of African chromosomes by the Exome Aggregation Consortium (ExAC; dbSNP rs149865919).

Breakthrough Genomics
Classification: Benign. Review status: criteria provided, single submitter. Criteria: ACMG Guidelines, 2015. Collection method: not provided. Allele origin: germline. Inheritance: Autosomal recessive inheritance. Affected: yes.